The following is an entry in ClinVar:

ClinVar aggregate classification (germline): Uncertain significance (1 of 4 stars; one submission).

Conditions:
Infantile neuroaxonal dystrophy (NBIA2A). Also called: SEITELBERGER DISEASE; NEURODEGENERATION WITH BRAIN IRON ACCUMULATION 2A; Infantile neuroaxonal dystrophy 1. Identifiers: Orphanet 35069, MedGen C0270724, MONDO:0024457, OMIM 256600.

Allele frequency attached by ClinVar (database versions not stated): TOPMed 0.00004.
gnomAD v4.1: 84 of 1,539,698 alleles (0.0055%); highest among the groups gnomAD compares: Middle Eastern, 0.32%; no homozygotes.

Submission:

Baylor Genetics
Classification: Uncertain significance for Infantile neuroaxonal dystrophy. Last evaluated: 2017-09-01. Review status: criteria provided, single submitter. Criteria: ACMG Guidelines, 2015. Collection method: clinical testing. Allele origin: germline. Inheritance: Autosomal recessive inheritance. Affected: yes.
Comment: This change only affects the coding region of one isoform (UCSC ID: uc003aux.1); it is located in the intronic regions for other isoforms of the gene.

Literature cited by the submitters: PubMed 25326635.

NM_003560.4(PLA2G6):c.2035-55G>A

Gene: PLA2G6 (phospholipase A2 group VI; minus strand). Cytogenetic location: 22q13.1.
Variant type: single nucleotide variant.
Coding change: c.2035-55G>A on transcript NM_003560.4 (MANE Select); 55 bases into the intron before coding-DNA position 2035, G replaced by A.
Molecular consequence: intron variant.
Genome position (GRCh38, 1-based): chr22:38,113,709, C>T on the plus strand (G>A on the coding strand, the complement: PLA2G6 is on the minus strand). VCF-style: chr22-38113709-C-T. GRCh37 (hg19) VCF-style: chr22-38509716-C-T.
Other names: c.1357-55G>A (NM_001349868.2); c.1873-55G>A (NM_001349866.2, NM_001199562.3, NM_001349865.2 and 1 more transcripts); c.1339-55G>A (NM_001349869.2); c.1501-55G>A (NM_001349867.2); c.2035-55G>A (NM_001349864.2).
Identifiers: ClinVar variation 561084 (VCV000561084.2), dbSNP rs572529162, ClinGen allele CA10230619.
Genomic context (GRCh38, chr22:38,113,709, plus strand): 5'-CTGACCCTGTTGGGAACAGGACAGGGGCAGTCAGAAGAGACCTTCCACAGGTAGGGGGCA[C>T]GAAGGGGAGCGTCAAGGGGAGGCCCAAGACTGGGCTCTGGGGCACATGAGAACAGGGCAA-3'